The following is an entry in ClinVar:

NM_144631.6(ZNF513):c.869G>A (p.Gly290Glu)

Gene: ZNF513 (zinc finger protein 513; minus strand). Cytogenetic location: 2p23.3.
Variant type: single nucleotide variant.
Coding change: c.869G>A on transcript NM_144631.6 (MANE Select); coding-DNA position 869, G replaced by A.
Protein change: p.Gly290Glu; replaces glycine 290 with glutamic acid.
Molecular consequence: missense variant.
Genome position (GRCh38, 1-based): chr2:27,378,302, C>T on the plus strand (G>A on the coding strand, the complement: ZNF513 is on the minus strand). VCF-style: chr2-27378302-C-T. GRCh37 (hg19) VCF-style: chr2-27601169-C-T.
Other names: c.683G>A, p.Gly228Glu (NM_001201459.2); short protein forms G228E, G290E.
Identifiers: ClinVar variation 2786190 (VCV002786190.3), dbSNP rs1397128481, ClinGen allele CA346216970.

ClinVar aggregate classification (germline): Uncertain significance (1 of 4 stars; one submission).

gnomAD v4.1: 1 of 1,600,976 alleles (0.000062%); no homozygotes.

Submission:

Labcorp Genetics (formerly Invitae), Labcorp
Classification: Uncertain significance. Last evaluated: 2023-07-18. Review status: criteria provided, single submitter. Criteria: Invitae Variant Classification Sherloc (09022015). Collection method: clinical testing. Allele origin: germline.
Comment: An algorithm developed to predict the effect of missense changes on protein structure and function (PolyPhen-2) suggests that this variant is likely to be disruptive. This variant has not been reported in the literature in individuals affected with ZNF513-related conditions. This variant is present in population databases (no rsID available, gnomAD no frequency). This sequence change replaces glycine, which is neutral and non-polar, with glutamic acid, which is acidic and polar, at codon 290 of the ZNF513 protein (p.Gly290Glu). Algorithms developed to predict the effect of sequence changes on RNA splicing suggest that this variant may create or strengthen a splice site. In summary, the available evidence is currently insufficient to determine the role of this variant in disease. Therefore, it has been classified as a Variant of Uncertain Significance.